The following is an entry in ClinVar:

NM_030665.4(RAI1):c.3482G>A (p.Arg1161Gln)

Gene: RAI1 (retinoic acid induced 1; plus strand). Cytogenetic location: 17p11.2.
Variant type: single nucleotide variant.
Coding change: c.3482G>A on transcript NM_030665.4 (MANE Select); coding-DNA position 3482, G replaced by A.
Protein change: p.Arg1161Gln; replaces arginine 1161 with glutamine.
Molecular consequence: missense variant.
Genome position (GRCh38, 1-based): chr17:17,796,430, G>A. VCF-style: chr17-17796430-G-A. GRCh37 (hg19) VCF-style: chr17-17699744-G-A.
Other names: c.3482G>A (NM_030665.3); short protein forms R1161Q.
Identifiers: ClinVar variation 1361422 (VCV001361422.6), dbSNP rs761985540, ClinGen allele CA8418729.
Genomic context (GRCh38, chr17:17,796,430, plus strand): 5'-AGCGCTCCATGATCCTTCGGTCACGCACCAAAACCCAGGAGATCTTCCACTCCAAGCGGC[G>A]GAGGCCCTCTGAGGGCCGGCTCCCCAACTGCCGTGCCACCAAGAAGCTCCTCGACAACAG-3'
Protein context (NP_109590.3, residues 1151-1171): KTQEIFHSKR[Arg1161Gln]RPSEGRLPNC

ClinVar aggregate classification (germline): Conflicting classifications of pathogenicity. Review status: criteria provided, conflicting classifications (1 of 4 stars). 2 submissions from 2 submitters: Uncertain significance (1); Likely benign (1). Last evaluated 2026-01-20.

Conditions:
RAI1-related disorder. Also called: RAI1-related condition.

Allele frequency attached by ClinVar (database versions not stated): gnomAD exomes 0.00001 and 0.00003; ExAC 0.00002.
gnomAD v4.1: 20 of 1,613,360 alleles (0.0012%); highest among the groups gnomAD compares: Middle Eastern, 0.016%; no homozygotes.

Submissions (2):

PreventionGenetics, part of Exact Sciences
Classification: Likely benign for RAI1-related condition. Last evaluated: 2026-01-20. Review status: criteria provided, single submitter. Criteria: ACMG Guidelines, 2015. Collection method: clinical testing. Allele origin: germline.
Comment: This variant is classified as likely benign based on ACMG/AMP sequence variant interpretation guidelines (Richards et al. 2015 PMID: 25741868, with internal and published modifications).

Labcorp Genetics (formerly Invitae), Labcorp
Classification: Uncertain significance. Last evaluated: 2026-01-04. Review status: criteria provided, single submitter. Criteria: Invitae Variant Classification Sherloc (09022015). Collection method: clinical testing. Allele origin: germline.
Comment: This sequence change replaces arginine, which is basic and polar, with glutamine, which is neutral and polar, at codon 1161 of the RAI1 protein (p.Arg1161Gln). This variant is present in population databases (rs761985540, gnomAD 0.02%). This variant has not been reported in the literature in individuals affected with RAI1-related conditions. ClinVar contains an entry for this variant (Variation ID: 1361422). Invitae Evidence Modeling of protein sequence and biophysical properties (such as structural, functional, and spatial information, amino acid conservation, physicochemical variation, residue mobility, and thermodynamic stability) indicates that this missense variant is not expected to disrupt RAI1 protein function with a negative predictive value of 80%. In summary, the available evidence is currently insufficient to determine the role of this variant in disease. Therefore, it has been classified as a Variant of Uncertain Significance.